The following is an entry in ClinVar:

ClinVar aggregate classification (germline): Uncertain significance (1 of 4 stars; one submission).

Conditions:
HECTD4-related disorder. Also called: HECTD4-related condition.

Allele frequency attached by ClinVar (database versions not stated): gnomAD 0.00001.
gnomAD v4.1: 1 of 1,613,562 alleles (0.000062%); highest among the groups gnomAD compares: South Asian, 0.0011%; no homozygotes.

Submission:

PreventionGenetics, part of Exact Sciences
Classification: Uncertain significance for HECTD4-related condition. Last evaluated: 2023-08-07. Review status: criteria provided, single submitter. Criteria: ACMG Guidelines, 2015. Collection method: clinical testing. Allele origin: germline.
Comment: The HECTD4 c.10475T>C variant is predicted to result in the amino acid substitution p.Met3492Thr. To our knowledge, this variant has not been reported in the literature or in a large population database, indicating this variant is rare. At this time, the clinical significance of this variant is uncertain due to the absence of conclusive functional and genetic evidence.

NM_001388303.1(HECTD4):c.10877T>C (p.Met3626Thr)

Gene: HECTD4 (HECT domain E3 ubiquitin protein ligase 4; minus strand). Cytogenetic location: 12q24.13.
Variant type: single nucleotide variant.
Coding change: c.10877T>C on transcript NM_001388303.1 (MANE Select); coding-DNA position 10877, T replaced by C.
Protein change: p.Met3626Thr; replaces methionine 3626 with threonine.
Molecular consequence: missense variant.
Genome position (GRCh38, 1-based): chr12:112,183,169, A>G on the plus strand (T>C on the coding strand, the complement: HECTD4 is on the minus strand). VCF-style: chr12-112183169-A-G. GRCh37 (hg19) VCF-style: chr12-112620973-A-G.
Other names: c.10907T>C, p.Met3636Thr (NM_001109662.4); short protein forms M3626T, M3636T.
Identifiers: ClinVar variation 2636846 (VCV002636846.1), dbSNP rs2031739457, ClinGen allele CA386769557.